The following is an entry in ClinVar:

GRCh38/hg38 17q21.31(chr17:46130519-46380808)x1

Genes: ARL17B (ADP ribosylation factor like GTPase 17B; minus strand), KANSL1 (KAT8 regulatory NSL complex subunit 1), KANSL1-AS1 (KANSL1 antisense RNA 1), LRRC37A (leucine rich repeat containing 37A), LRRC37A2 (leucine rich repeat containing 37 member A2) and 3 more. Cytogenetic location: 17q21.31.
Variant type: copy number loss.
Change: copy number 1 (one copy instead of two) of chr17:46,130,519-46,380,808 (250.3 kb, GRCh38 coordinates, 1-based), cytogenetic band 17q21.31.
Identifiers: ClinVar variation 150266 (VCV000150266.2).

ClinVar aggregate classification (germline): Benign/Likely benign (0 of 4 stars; one submission).

Submission:

ISCA site 4
Classification: Benign/Likely benign. Last evaluated: 2012-09-21. Review status: no assertion criteria provided. Collection method: clinical testing. Allele origin: unknown. Affected: yes. Observed: 2 variant alleles.
Comment: Likely benign (1), Benign (1)

Copy number variation identified through the course of routine clinical cytogenomic testing in postnatal populations, with clinical assertions as classified by the original submitter.